The following is an entry in ClinVar:

ClinVar aggregate classification (germline): Uncertain significance (1 of 4 stars; one submission).

Conditions:
Congenital myasthenic syndrome 4A. Also called: CONGENITAL MYASTHENIC SYNDROME TYPE Ia1; MYASTHENIC SYNDROME, CONGENITAL, 4A, SLOW-CHANNEL, AUTOSOMAL RECESSIVE; Myasthenic syndrome, congenital, 4a, slow-channel. Identifiers: Orphanet 590, MedGen C4225413, MONDO:0011600, OMIM 605809.

Allele frequency attached by ClinVar (database versions not stated): gnomAD exomes below 0.00001; gnomAD 0.00001.
gnomAD v4.1: 9 of 1,612,776 alleles (0.00056%); highest among the groups gnomAD compares: African/African-American, 0.0053%; no homozygotes.

Submission:

Labcorp Genetics (formerly Invitae), Labcorp
Classification: Uncertain significance for Congenital myasthenic syndrome 4A. Last evaluated: 2022-03-24. Review status: criteria provided, single submitter. Criteria: Invitae Variant Classification Sherloc (09022015). Collection method: clinical testing. Allele origin: germline.
Comment: This sequence change replaces proline, which is neutral and non-polar, with threonine, which is neutral and polar, at codon 225 of the CHRNE protein (p.Pro225Thr). This variant is present in population databases (no rsID available, gnomAD 0.01%). This variant has not been reported in the literature in individuals affected with CHRNE-related conditions. Advanced modeling of protein sequence and biophysical properties (such as structural, functional, and spatial information, amino acid conservation, physicochemical variation, residue mobility, and thermodynamic stability) performed at Invitae indicates that this missense variant is not expected to disrupt CHRNE protein function. In summary, the available evidence is currently insufficient to determine the role of this variant in disease. Therefore, it has been classified as a Variant of Uncertain Significance.

NM_000080.4(CHRNE):c.673C>A (p.Pro225Thr)

Genes: C17orf107 (chromosome 17 open reading frame 107; plus strand), CHRNE (cholinergic receptor nicotinic epsilon subunit; minus strand). Cytogenetic location: 17p13.2.
Variant type: single nucleotide variant.
Coding change: c.673C>A on transcript NM_000080.4 (MANE Select); coding-DNA position 673, C replaced by A.
Protein change: p.Pro225Thr; replaces proline 225 with threonine.
Molecular consequence: missense variant. On other transcripts: 3 prime UTR variant (1).
Genome position (GRCh38, 1-based): chr17:4,901,119, G>T on the plus strand (C>A on the coding strand, the complement: CHRNE is on the minus strand). VCF-style: chr17-4901119-G-T. GRCh37 (hg19) VCF-style: chr17-4804414-G-T.
Other names: c.*586G>T (NM_001145536.2); short protein forms P225T.
Identifiers: ClinVar variation 2201049 (VCV002201049.1), dbSNP rs1023841193, ClinGen allele CA287183172.